The following is an entry in ClinVar:

ClinVar aggregate classification (germline): Likely pathogenic. Review status: criteria provided, single submitter (1 of 4 stars). 6 submissions from 6 submitters: Likely pathogenic (1). 5 of the submissions do not count toward it. Last evaluated 2025-09-02.

Conditions:
Galloway-Mowat syndrome 3. Identifiers: MedGen C4540266, MONDO:0033007, OMIM 617729.

Allele frequency attached by ClinVar (database versions not stated): gnomAD exomes 0.00001.
gnomAD v4.1: 21 of 1,613,952 alleles (0.0013%); highest among the groups gnomAD compares: Non-Finnish European, 0.0018%; no homozygotes.

Submissions (6):

Labcorp Genetics (formerly Invitae), Labcorp
Classification: Likely pathogenic. Last evaluated: 2025-09-02. Review status: criteria provided, single submitter. Criteria: Invitae Variant Classification Sherloc (09022015). Collection method: clinical testing. Allele origin: germline.
Comment: This sequence change replaces isoleucine, which is neutral and non-polar, with threonine, which is neutral and polar, at codon 111 of the OSGEP protein (p.Ile111Thr). This variant is present in population databases (no rsID available, gnomAD 0.002%). This missense change has been observed in individual(s) with Galloway-Mowat syndrome (PMID: 28805828, 39825153). In at least one individual the data is consistent with being in trans (on the opposite chromosome) from a pathogenic variant. ClinVar contains an entry for this variant (Variation ID: 444891). Invitae Evidence Modeling of protein sequence and biophysical properties (such as structural, functional, and spatial information, amino acid conservation, physicochemical variation, residue mobility, and thermodynamic stability) indicates that this missense variant is expected to disrupt OSGEP protein function with a positive predictive value of 80%. Experimental studies are conflicting or provide insufficient evidence to determine the effect of this variant on OSGEP function (PMID: 28805828). In summary, the currently available evidence indicates that the variant is pathogenic, but additional data are needed to prove that conclusively. Therefore, this variant has been classified as Likely Pathogenic.

Solve-RD Consortium
Classification: Likely pathogenic for Galloway-Mowat syndrome 3. Last evaluated: 2022-06-01. Review status: no assertion criteria provided. Collection method: provider interpretation. Allele origin: inherited. Affected: yes. Not counted in ClinVar's aggregate classification.
Comment: Variant confirmed as disease-causing by referring clinical team

Variant identified during reanalysis of unsolved cases by the Solve-RD project. The Solve-RD project has received funding from the European Union’s Horizon 2020 research and innovation programme under grant agreement No 779257.

OMIM
Classification: Pathogenic for GALLOWAY-MOWAT SYNDROME 3. Last evaluated: 2017-10-26. Review status: no assertion criteria provided. Collection method: literature only. Allele origin: germline. Not counted in ClinVar's aggregate classification.

Diagnostic Laboratory, Department of Genetics, University Medical Center Groningen
Classification: Pathogenic. Review status: no assertion criteria provided. Collection method: clinical testing. Allele origin: germline. Affected: yes. Study: VKGL Data-share Consensus. Not counted in ClinVar's aggregate classification.

Genome Diagnostics Laboratory, Amsterdam University Medical Center
Classification: Likely pathogenic. Review status: no assertion criteria provided. Collection method: clinical testing. Allele origin: germline. Affected: yes. Study: VKGL Data-share Consensus. Not counted in ClinVar's aggregate classification.

Joint Genome Diagnostic Labs from Nijmegen and Maastricht, Radboudumc and MUMC+
Classification: Pathogenic. Review status: no assertion criteria provided. Collection method: clinical testing. Allele origin: germline. Affected: yes. Study: VKGL Data-share Consensus. Not counted in ClinVar's aggregate classification.

Literature cited by the submitters: PubMed 28805828 (cited by Labcorp Genetics (formerly Invitae), Labcorp and OMIM); PubMed 39825153 (cited by Labcorp Genetics (formerly Invitae), Labcorp and Solve-RD Consortium).

NM_017807.4(OSGEP):c.332T>C (p.Ile111Thr)

Genes: OSGEP (O-sialoglycoprotein endopeptidase; minus strand), LOC107372315 (OSGEP/APEX1 bi-directional promoter region; plus strand). Cytogenetic location: 14q11.2.
Variant type: single nucleotide variant.
Coding change: c.332T>C on transcript NM_017807.4 (MANE Select); coding-DNA position 332, T replaced by C.
Protein change: p.Ile111Thr; replaces isoleucine 111 with threonine.
Molecular consequence: missense variant.
Genome position (GRCh38, 1-based): chr14:20,452,053, A>G on the plus strand (T>C on the coding strand, the complement: OSGEP is on the minus strand). VCF-style: chr14-20452053-A-G. GRCh37 (hg19) VCF-style: chr14-20920212-A-G.
Other names: short protein forms I111T.
Identifiers: ClinVar variation 444891 (VCV000444891.9), dbSNP rs1443735811, ClinGen allele CA389124511.